The following is an entry in ClinVar:

NM_004360.5(CDH1):c.2598C>T (p.Gly866=)

Gene: CDH1 (cadherin 1; plus strand). Cytogenetic location: 16q22.1.
Variant type: single nucleotide variant.
Coding change: c.2598C>T on transcript NM_004360.5 (MANE Select); coding-DNA position 2598, C replaced by T.
Protein change: p.Gly866=; no amino-acid change (glycine 866 retained).
Molecular consequence: synonymous variant.
Genome position (GRCh38, 1-based): chr16:68,833,448, C>T. VCF-style: chr16-68833448-C-T. GRCh37 (hg19) VCF-style: chr16-68867351-C-T.
Other names: c.2415C>T, p.Gly805= (NM_001317184.2); c.1050C>T, p.Gly350= (NM_001317185.2); c.633C>T, p.Gly211= (NM_001317186.2).
Identifiers: ClinVar variation 2032206 (VCV002032206.5), dbSNP rs1961543971, ClinGen allele CA496393206.

ClinVar aggregate classification (germline): Benign/Likely benign. Review status: criteria provided, multiple submitters, no conflicts (2 of 4 stars). 2 submissions from 2 submitters: Benign (1); Likely benign (1). Last evaluated 2024-09-24.

Conditions:
Hereditary diffuse gastric adenocarcinoma (HDGC). Also called: DIFFUSE GASTRIC AND LOBULAR BREAST CANCER SYNDROME. Identifiers: Orphanet 26106, MedGen C1708349, MONDO:0007648, OMIM 137215.

Submissions (2):

Myriad Genetics, Inc.
Classification: Benign for Hereditary diffuse gastric adenocarcinoma. Last evaluated: 2024-09-24. Review status: criteria provided, single submitter. Criteria: Myriad Autosomal Dominant, Autosomal Recessive and X-Linked Classification Criteria (2023). Collection method: clinical testing. Allele origin: unknown.
Comment: This variant is considered benign. This variant is a silent/synonymous amino acid change and it is not expected to impact splicing.

Labcorp Genetics (formerly Invitae), Labcorp
Classification: Likely benign for Hereditary diffuse gastric adenocarcinoma. Last evaluated: 2022-12-02. Review status: criteria provided, single submitter. Criteria: Invitae Variant Classification Sherloc (09022015). Collection method: clinical testing. Allele origin: germline.